The following is an entry in ClinVar:

ClinVar aggregate classification (germline): Pathogenic (1 of 4 stars; one submission).

Conditions:
Cardiovascular phenotype. Identifiers: MedGen CN230736.

Submission:

Ambry Genetics
Classification: Pathogenic for Cardiovascular phenotype. Last evaluated: 2025-09-03. Review status: criteria provided, single submitter. Criteria: Ambry Variant Classification Scheme 2023. Collection method: clinical testing. Allele origin: germline.
Comment: The c.4639dupC (p.Q1547Pfs*80) alteration, located in exon 23 (coding exon 23) of the DSP gene, consists of a duplication of C at position 4639, causing a translational frameshift with a predicted alternate stop codon after 80 amino acids. This alteration is expected to result in loss of function by premature protein truncation or nonsense-mediated mRNA decay. This variant was not reported in population-based cohorts in the Genome Aggregation Database (gnomAD). This variant was reported in individual(s) with features consistent DSP-related cardiomyopathy (Gasperetti, 2025). Based on the available evidence, this alteration is classified as pathogenic.

Literature cited by the submitters: PubMed 39288222.

NM_004415.4(DSP):c.4639dup (p.Gln1547fs)

Gene: DSP (desmoplakin; plus strand). Cytogenetic location: 6p24.3.
Variant type: Duplication.
Coding change: c.4639dup on transcript NM_004415.4 (MANE Select); coding-DNA position 4639, one base duplicated (C; older notation c.4639dupC).
Protein change: p.Gln1547fs; shifts the reading frame from glutamine 1547.
Molecular consequence: frameshift variant. On other transcripts: intron variant (2).
Genome position (GRCh38, 1-based): chr6:7,580,829, C duplicated; the last of 3 consecutive C bases (chr6:7,580,827-7,580,829); duplicating any one gives the same sequence. VCF-style (leftmost placement, unchanged base first): chr6-7580826-T-TC. GRCh37 (hg19) VCF-style: chr6-7581059-T-TC.
Other names: c.4639dupC (NM_004415.2); c.4050+589dup (NM_001319034.2); c.3582+1057dup (NM_001008844.3); short protein forms Q1547fs.
Identifiers: ClinVar variation 4245132 (VCV004245132.1).